The following is an entry in ClinVar:

NM_020964.3(EPG5):c.7568C>G (p.Ala2523Gly)

Gene: EPG5 (ectopic P-granules 5 autophagy tethering factor; minus strand). Cytogenetic location: 18q12.3.
Variant type: single nucleotide variant.
Coding change: c.7568C>G on transcript NM_020964.3 (MANE Select); coding-DNA position 7568, C replaced by G.
Protein change: p.Ala2523Gly; replaces alanine 2523 with glycine.
Molecular consequence: missense variant.
Genome position (GRCh38, 1-based): chr18:45,852,639, G>C on the plus strand (C>G on the coding strand, the complement: EPG5 is on the minus strand). VCF-style: chr18-45852639-G-C. GRCh37 (hg19) VCF-style: chr18-43432604-G-C.
Other names: short protein forms A2523G.
Identifiers: ClinVar variation 1021074 (VCV001021074.7), dbSNP rs2048438822, ClinGen allele CA402335480.

ClinVar aggregate classification (germline): Uncertain significance (1 of 4 stars; one submission).

Conditions:
Vici syndrome (VICIS). Identifiers: Orphanet 1493, MedGen C1855772, MONDO:0009452, OMIM 242840.

Submission:

Labcorp Genetics (formerly Invitae), Labcorp
Classification: Uncertain significance for Vici syndrome. Last evaluated: 2022-08-31. Review status: criteria provided, single submitter. Criteria: Invitae Variant Classification Sherloc (09022015). Collection method: clinical testing. Allele origin: germline.
Comment: This sequence change replaces alanine, which is neutral and non-polar, with glycine, which is neutral and non-polar, at codon 2523 of the EPG5 protein (p.Ala2523Gly). This variant is not present in population databases (gnomAD no frequency). This variant has not been reported in the literature in individuals affected with EPG5-related conditions. ClinVar contains an entry for this variant (Variation ID: 1021074). Algorithms developed to predict the effect of missense changes on protein structure and function are either unavailable or do not agree on the potential impact of this missense change (SIFT: "Tolerated"; PolyPhen-2: "Probably Damaging"; Align-GVGD: "Class C0"). In summary, the available evidence is currently insufficient to determine the role of this variant in disease. Therefore, it has been classified as a Variant of Uncertain Significance.